The following is an entry in ClinVar:

NM_001206979.2(NR1H4):c.117G>A (p.Gln39=)

Gene: NR1H4 (nuclear receptor subfamily 1 group H member 4; plus strand). Cytogenetic location: 12q23.1.
Variant type: single nucleotide variant.
Coding change: c.117G>A on transcript NM_001206979.2 (MANE Select); coding-DNA position 117, G replaced by A.
Protein change: p.Gln39=; no amino-acid change (glutamine 39 retained).
Molecular consequence: synonymous variant. On other transcripts: non-coding transcript variant (1).
Genome position (GRCh38, 1-based): chr12:100,510,815, G>A. VCF-style: chr12-100510815-G-A. GRCh37 (hg19) VCF-style: chr12-100904593-G-A.
Other names: c.117G>A, p.Gln39= (NM_001206977.2, NM_001206978.2, NM_005123.4); c.147G>A, p.Gln49= (NM_001206992.2, NM_001206993.2).
Identifiers: ClinVar variation 3036648 (VCV003036648.2), dbSNP rs971190750, ClinGen allele CA242355426.
Genomic context (GRCh38, chr12:100,510,815, plus strand): 5'-GTTTTGTTGTCACTTTTGTTCAGGTGTTTTAACAGAACAAGTGGCAGGTCCTCTGGGACA[G>A]AACCTGGAAGTGGAACCATACTCGCAATACAGCAATGTTCAGTTTCCCCAAGTTCAACCA-3'
Protein context (NP_001193908.1, residues 29-49): LTEQVAGPLG[Gln39=]NLEVEPYSQY

ClinVar aggregate classification (germline): Likely benign (0 of 4 stars; one submission).

Conditions:
NR1H4-related disorder. Also called: NR1H4-related condition.

Allele frequency attached by ClinVar (database versions not stated): gnomAD exomes 0.00001; gnomAD 0.00006; TOPMed 0.00010.
gnomAD v4.1: 14 of 1,613,964 alleles (0.00087%); highest among the groups gnomAD compares: African/African-American, 0.019%; no homozygotes.

Submission:

PreventionGenetics, part of Exact Sciences
Classification: Likely benign for NR1H4-related condition. Last evaluated: 2021-11-30. Review status: no assertion criteria provided. Collection method: clinical testing. Allele origin: germline.
Comment: This variant is classified as likely benign based on ACMG/AMP sequence variant interpretation guidelines (Richards et al. 2015 PMID: 25741868, with internal and published modifications).